The following is an entry in ClinVar:

ClinVar aggregate classification (germline): Pathogenic (1 of 4 stars; one submission).

Conditions:
Amyotrophic lateral sclerosis type 1 (ALS1). Also called: AMYOTROPHIC LATERAL SCLEROSIS 1, FAMILIAL. Identifiers: Orphanet 803, MedGen C1862939, MONDO:0007103, OMIM 105400.

Submission:

Labcorp Genetics (formerly Invitae), Labcorp
Classification: Pathogenic for Amyotrophic lateral sclerosis type 1. Last evaluated: 2023-10-18. Review status: criteria provided, single submitter. Criteria: Invitae Variant Classification Sherloc (09022015). Collection method: clinical testing. Allele origin: germline.
Comment: This sequence change replaces phenylalanine, which is neutral and non-polar, with cysteine, which is neutral and slightly polar, at codon 21 of the SOD1 protein (p.Phe21Cys). This variant is not present in population databases (gnomAD no frequency). This missense change has been observed in individuals with autosomal dominant amyotrophic lateral sclerosis (PMID: 14506936, 17453632, 22244934, 22292843, 25109764). It has also been observed to segregate with disease in related individuals. This variant is also known as F20C. ClinVar contains an entry for this variant (Variation ID: 1459352). Advanced modeling of protein sequence and biophysical properties (such as structural, functional, and spatial information, amino acid conservation, physicochemical variation, residue mobility, and thermodynamic stability) performed at Invitae indicates that this missense variant is expected to disrupt SOD1 protein function. Experimental studies have shown that this missense change affects SOD1 function (PMID: 23280792). For these reasons, this variant has been classified as Pathogenic.

Literature cited by the submitters: PubMed 14506936; PubMed 17453632; PubMed 22244934; PubMed 22292843; PubMed 25109764; PubMed 23280792.

NM_000454.5(SOD1):c.62T>G (p.Phe21Cys)

Genes: SOD1-DT (SOD1 divergent transcript; minus strand), SOD1 (superoxide dismutase 1; plus strand). Cytogenetic location: 21q22.11.
Variant type: single nucleotide variant.
Coding change: c.62T>G on transcript NM_000454.5 (MANE Select); coding-DNA position 62, T replaced by G.
Protein change: p.Phe21Cys; replaces phenylalanine 21 with cysteine.
Molecular consequence: missense variant.
Genome position (GRCh38, 1-based): chr21:31,659,831, T>G. VCF-style: chr21-31659831-T-G. GRCh37 (hg19) VCF-style: chr21-33032144-T-G.
Other names: short protein forms F21C.
Identifiers: ClinVar variation 1459352 (VCV001459352.8), dbSNP rs1555836169, ClinGen allele CA410036072.